The following is an entry in ClinVar:

NM_001349253.2(SCN11A):c.3785T>C (p.Ile1262Thr)

Gene: SCN11A (sodium voltage-gated channel alpha subunit 11; minus strand). Cytogenetic location: 3p22.2.
Variant type: single nucleotide variant.
Coding change: c.3785T>C on transcript NM_001349253.2 (MANE Select); coding-DNA position 3785, T replaced by C.
Protein change: p.Ile1262Thr; replaces isoleucine 1262 with threonine.
Molecular consequence: missense variant.
Genome position (GRCh38, 1-based): chr3:38,870,719, A>G on the plus strand (T>C on the coding strand, the complement: SCN11A is on the minus strand). VCF-style: chr3-38870719-A-G. GRCh37 (hg19) VCF-style: chr3-38912210-A-G.
Other names: c.3785T>C, p.Ile1262Thr (NM_014139.3); short protein forms I1262T.
Identifiers: ClinVar variation 3316541 (VCV003316541.1).

ClinVar aggregate classification (germline): Uncertain significance (1 of 4 stars; one submission).

Conditions:
Inborn genetic diseases. Identifiers: MedGen C0950123, MeSH D030342.

gnomAD v4.1: 2 of 1,613,580 alleles (0.00012%); highest among the groups gnomAD compares: Non-Finnish European, 0.00017%; no homozygotes.

Submission:

Ambry Genetics
Classification: Uncertain significance for Inborn genetic diseases. Last evaluated: 2024-05-28. Review status: criteria provided, single submitter. Criteria: Ambry Variant Classification Scheme 2023. Collection method: clinical testing. Allele origin: germline.
Comment: The c.3785T>C (p.I1262T) alteration is located in exon 22 (coding exon 22) of the SCN11A gene. This alteration results from a T to C substitution at nucleotide position 3785, causing the isoleucine (I) at amino acid position 1262 to be replaced by a threonine (T). This variant was not reported in population-based cohorts in the Genome Aggregation Database (gnomAD). This amino acid position is highly conserved in available vertebrate species. This alteration is predicted to be deleterious by in silico analysis. Based on insufficient or conflicting evidence, the clinical significance of this alteration remains unclear.